The following is an entry in ClinVar:

NM_033305.3(VPS13A):c.657G>A (p.Lys219=)

Gene: VPS13A (vacuolar protein sorting 13 homolog A; plus strand). Cytogenetic location: 9q21.2.
Variant type: single nucleotide variant.
Coding change: c.657G>A on transcript NM_033305.3 (MANE Select); coding-DNA position 657, G replaced by A.
Protein change: p.Lys219=; no amino-acid change (lysine 219 retained).
Molecular consequence: synonymous variant.
Genome position (GRCh38, 1-based): chr9:77,213,275, G>A. VCF-style: chr9-77213275-G-A. GRCh37 (hg19) VCF-style: chr9-79828191-G-A.
Other names: c.657G>A, p.Lys219= (NM_001018037.2, NM_001018038.3, NM_015186.4).
Identifiers: ClinVar variation 2659268 (VCV002659268.24), dbSNP rs1826074274, ClinGen allele CA465531672.

ClinVar aggregate classification (germline): Likely benign (1 of 4 stars; one submission).

Allele frequency attached by ClinVar (database versions not stated): gnomAD exomes below 0.00001; TOPMed below 0.00001.
gnomAD v4.1: 1 of 1,613,726 alleles (0.000062%); highest among the groups gnomAD compares: Non-Finnish European, 0.000085%; no homozygotes.

Submission:

CeGaT Center for Human Genetics Tuebingen
Classification: Likely benign. Last evaluated: 2022-11-01. Review status: criteria provided, single submitter. Criteria: CeGaT Center For Human Genetics Tuebingen Variant Classification Criteria Version 2. Collection method: clinical testing. Allele origin: germline. Affected: yes. Observed: 1 variant allele.
Comment: VPS13A: PM2:Supporting, BP4, BP7